The following is an entry in ClinVar:

NM_000342.4(SLC4A1):c.610-1G>A

Gene: SLC4A1 (solute carrier family 4 member 1 (Diego blood group); minus strand). Cytogenetic location: 17q21.31.
Variant type: single nucleotide variant.
Coding change: c.610-1G>A on transcript NM_000342.4 (MANE Select); the canonical splice acceptor site of the intron before coding-DNA position 610, G replaced by A.
Molecular consequence: splice acceptor variant.
Genome position (GRCh38, 1-based): chr17:44,259,582, C>T on the plus strand (G>A on the coding strand, the complement: SLC4A1 is on the minus strand). VCF-style: chr17-44259582-C-T. GRCh37 (hg19) VCF-style: chr17-42336950-C-T.
Identifiers: ClinVar variation 4710387 (VCV004710387.1).
Genomic context (GRCh38, chr17:44,259,582, plus strand): 5'-ATCCGGGGGAATCTTTTCCAGAATTCCAGATGGTGAGTGCCCTTCTGTGCCCCCATCTCC[C>T]TGTGGGAAGGAGGGTGGTGACGGGAGTCCTCGGGCCAGTCTGACCTGGGAGACCTGAGCA-3'

ClinVar aggregate classification (germline): Likely pathogenic (1 of 4 stars; one submission).

Submission:

Labcorp Genetics (formerly Invitae), Labcorp
Classification: Likely pathogenic. Last evaluated: 2025-09-23. Review status: criteria provided, single submitter. Criteria: Invitae Variant Classification Sherloc (09022015). Collection method: clinical testing. Allele origin: germline.
Comment: This sequence change affects an acceptor splice site in intron 7 of the SLC4A1 gene. It is expected to disrupt RNA splicing. Variants that disrupt the donor or acceptor splice site typically lead to a loss of protein function (PMID: 16199547), and loss-of-function variants in SLC4A1 are known to be pathogenic (PMID: 8943874, 10926824, 23255290). This variant is not present in population databases (gnomAD no frequency). Disruption of this splice site has been observed in individual(s) with hereditary spherocytosis (PMID: 23255290). Algorithms developed to predict the effect of sequence changes on RNA splicing suggest that this variant may disrupt the consensus splice site. In summary, the currently available evidence indicates that the variant is pathogenic, but additional data are needed to prove that conclusively. Therefore, this variant has been classified as Likely Pathogenic.

Literature cited by the submitters: PubMed 16199547; PubMed 8943874; PubMed 10926824; PubMed 23255290.